The following is an entry in ClinVar:

ClinVar aggregate classification (germline): Uncertain significance (1 of 4 stars; one submission).

Submission:

GeneDx
Classification: Uncertain significance. Last evaluated: 2019-09-27. Review status: criteria provided, single submitter. Criteria: GeneDx Variant Classification Process June 2021. Collection method: clinical testing. Allele origin: germline. Affected: yes.
Comment: Not observed in large population cohorts (Lek et al., 2016); In silico analysis, which includes protein predictors and evolutionary conservation, supports a deleterious effect; Has not been previously published as pathogenic or benign to our knowledge

NM_006922.4(SCN3A):c.1094G>A (p.Ser365Asn)

Gene: SCN3A (sodium voltage-gated channel alpha subunit 3; minus strand). Cytogenetic location: 2q24.3.
Variant type: single nucleotide variant.
Coding change: c.1094G>A on transcript NM_006922.4 (MANE Select); coding-DNA position 1094, G replaced by A.
Protein change: p.Ser365Asn; replaces serine 365 with asparagine.
Molecular consequence: missense variant.
Genome position (GRCh38, 1-based): chr2:165,155,841, C>T on the plus strand (G>A on the coding strand, the complement: SCN3A is on the minus strand). VCF-style: chr2-165155841-C-T. GRCh37 (hg19) VCF-style: chr2-166012351-C-T.
Other names: c.1094G>A, p.Ser365Asn (NM_001081676.2, NM_001081677.2); short protein forms S365N.
Identifiers: ClinVar variation 1308774 (VCV001308774.2), dbSNP rs766043781, ClinGen allele CA1939239.